The following is an entry in ClinVar:

NM_020975.6(RET):c.3040-9G>C

Gene: RET (ret proto-oncogene; plus strand). Cytogenetic location: 10q11.21.
Variant type: single nucleotide variant.
Coding change: c.3040-9G>C on transcript NM_020975.6 (MANE Select); 9 bases into the intron before coding-DNA position 3040, G replaced by C.
Molecular consequence: intron variant.
Genome position (GRCh38, 1-based): chr10:43,126,566, G>C. VCF-style: chr10-43126566-G-C. GRCh37 (hg19) VCF-style: chr10-43622014-G-C.
Other names: c.3040-9G>C (NM_020630.7, NM_001406743.1, NM_001406744.1 and 2 more transcripts); c.2905-9G>C (NM_001406765.1, NM_001406763.1); c.2644-9G>C (NM_001406772.1, NM_001406769.1); c.2602-9G>C (NM_001406773.1, NM_001406771.1); c.2143-9G>C (NM_001406782.1, NM_001406780.1, NM_001406779.1 and 1 more transcripts); c.2008-9G>C (NM_001406787.1); c.2023-9G>C (NM_001406785.1); c.2911-9G>C (NM_001406764.1, NM_001406762.1, NM_001406761.1); and 10 more.
Identifiers: ClinVar variation 2073931 (VCV002073931.5), dbSNP rs1420759913, ClinGen allele CA2580081479.

ClinVar aggregate classification (germline): Likely benign. Review status: criteria provided, multiple submitters, no conflicts (2 of 4 stars). 2 submissions from 2 submitters: Likely benign (2). Last evaluated 2026-01-16.

Conditions:
Multiple endocrine neoplasia, type 2 (MEN2). Identifiers: Orphanet 653, MedGen C4048306, MONDO:0019003. Disease mechanism: gain of function.

Submissions (2):

Labcorp Genetics (formerly Invitae), Labcorp
Classification: Likely benign for Multiple endocrine neoplasia, type 2. Last evaluated: 2026-01-16. Review status: criteria provided, single submitter. Criteria: Invitae Variant Classification Sherloc (09022015). Collection method: clinical testing. Allele origin: germline.

All of Us Research Program, National Institutes of Health
Classification: Likely benign for Multiple endocrine neoplasia, type 2. Last evaluated: 2023-10-02. Review status: criteria provided, single submitter. Criteria: ACMG Guidelines, 2015. Collection method: clinical testing. Allele origin: germline. Inheritance: Autosomal dominant inheritance. Observed: 1 variant allele, 1 heterozygote.
Comment: This study involves interpretation of variants in research participants for the purpose of population health screening. Participant phenotype was not available at the time of variant classification. Additional details can be found in publication PMID: 35346344, PMCID: PMC8962531